The following is an entry in ClinVar:

NM_000078.3(CETP):c.823T>C (p.Ser275Pro)

Gene: CETP (cholesteryl ester transfer protein; plus strand). Cytogenetic location: 16q13.
Variant type: single nucleotide variant.
Coding change: c.823T>C on transcript NM_000078.3 (MANE Select); coding-DNA position 823, T replaced by C.
Protein change: p.Ser275Pro; replaces serine 275 with proline.
Molecular consequence: missense variant. On other transcripts: intron variant (1).
Genome position (GRCh38, 1-based): chr16:56,973,403, T>C. VCF-style: chr16-56973403-T-C. GRCh37 (hg19) VCF-style: chr16-57007315-T-C.
Other names: c.750+1320T>C (NM_001286085.2); short protein forms S275P.
Identifiers: ClinVar variation 2242003 (VCV002242003.4), dbSNP rs1346956802, ClinGen allele CA396002879.

ClinVar aggregate classification (germline): Uncertain significance. Review status: criteria provided, multiple submitters, no conflicts (2 of 4 stars). 2 submissions from 2 submitters: Uncertain significance (2). Last evaluated 2024-04-24.

Allele frequency attached by ClinVar (database versions not stated): TOPMed below 0.00001; gnomAD 0.00001; gnomAD exomes 0.00001.
gnomAD v4.1: 14 of 1,614,088 alleles (0.00087%); highest among the groups gnomAD compares: African/African-American, 0.0013%; no homozygotes.

Submissions (2):

Labcorp Genetics (formerly Invitae), Labcorp
Classification: Uncertain significance. Last evaluated: 2024-04-24. Review status: criteria provided, single submitter. Criteria: Invitae Variant Classification Sherloc (09022015). Collection method: clinical testing. Allele origin: germline.
Comment: This sequence change replaces serine, which is neutral and polar, with proline, which is neutral and non-polar, at codon 275 of the CETP protein (p.Ser275Pro). This variant is not present in population databases (gnomAD no frequency). This variant has not been reported in the literature in individuals affected with CETP-related conditions. ClinVar contains an entry for this variant (Variation ID: 2242003). Advanced modeling of protein sequence and biophysical properties (such as structural, functional, and spatial information, amino acid conservation, physicochemical variation, residue mobility, and thermodynamic stability) performed at Invitae indicates that this missense variant is not expected to disrupt CETP protein function with a negative predictive value of 80%. In summary, the available evidence is currently insufficient to determine the role of this variant in disease. Therefore, it has been classified as a Variant of Uncertain Significance.

Ambry Genetics
Classification: Uncertain significance. Last evaluated: 2021-08-09. Review status: criteria provided, single submitter. Criteria: Ambry Variant Classification Scheme 2023. Collection method: clinical testing. Allele origin: germline.